The following is an entry in ClinVar:

NM_001089.3(ABCA3):c.640G>C (p.Val214Leu)

Gene: ABCA3 (ATP binding cassette subfamily A member 3; minus strand). Cytogenetic location: 16p13.3.
Variant type: single nucleotide variant.
Coding change: c.640G>C on transcript NM_001089.3 (MANE Select); coding-DNA position 640, G replaced by C.
Protein change: p.Val214Leu; replaces valine 214 with leucine.
Molecular consequence: missense variant.
Genome position (GRCh38, 1-based): chr16:2,319,814, C>G on the plus strand (G>C on the coding strand, the complement: ABCA3 is on the minus strand). VCF-style: chr16-2319814-C-G. GRCh37 (hg19) VCF-style: chr16-2369815-C-G.
Other names: c.640G>C (NM_001089.2); short protein forms V214L.
Identifiers: ClinVar variation 1913356 (VCV001913356.7), dbSNP rs147690211, ClinGen allele CA7841564.

ClinVar aggregate classification (germline): Uncertain significance. Review status: criteria provided, multiple submitters, no conflicts (2 of 4 stars). 4 submissions from 4 submitters: Uncertain significance (4). Last evaluated 2024-06-24.

Conditions:
Hereditary pulmonary alveolar proteinosis. Also called: Pulmonary surfactant metabolism dysfunction. Identifiers: Orphanet 264675, MedGen C3711368, MONDO:0012580.
Interstitial lung disease due to ABCA3 deficiency. Also called: PULMONARY ALVEOLAR PROTEINOSIS, CONGENITAL, 3. Identifiers: Orphanet 440402, MedGen C1970456, MONDO:0012582, OMIM 610921.

gnomAD v4.1: 116 of 1,613,842 alleles (0.0072%); highest among the groups gnomAD compares: Non-Finnish European, 0.0098%; no homozygotes.

Submissions (4):

Labcorp Genetics (formerly Invitae), Labcorp
Classification: Uncertain significance. Last evaluated: 2024-06-24. Review status: criteria provided, single submitter. Criteria: Invitae Variant Classification Sherloc (09022015). Collection method: clinical testing. Allele origin: germline.
Comment: This sequence change replaces valine, which is neutral and non-polar, with leucine, which is neutral and non-polar, at codon 214 of the ABCA3 protein (p.Val214Leu). This variant is present in population databases (rs147690211, gnomAD 0.004%). This variant has not been reported in the literature in individuals affected with ABCA3-related conditions. ClinVar contains an entry for this variant (Variation ID: 1913356). Advanced modeling of protein sequence and biophysical properties (such as structural, functional, and spatial information, amino acid conservation, physicochemical variation, residue mobility, and thermodynamic stability) performed at Invitae indicates that this missense variant is not expected to disrupt ABCA3 protein function with a negative predictive value of 80%. In summary, the available evidence is currently insufficient to determine the role of this variant in disease. Therefore, it has been classified as a Variant of Uncertain Significance.

Johns Hopkins Genomics, Johns Hopkins University
Classification: Uncertain significance for Interstitial lung disease due to ABCA3 deficiency. Last evaluated: 2024-04-26. Review status: criteria provided, single submitter. Criteria: ACMG Guidelines, 2015. Collection method: clinical testing. Allele origin: germline.
Comment: This ABCA3 missense variant (rs147690211) is rare (<0.1%) in a large population dataset (gnomAD v4.1.0: 116/1613842 total alleles; 0.007%; no homozygotes). It has been reported in ClinVar (Variation ID 1913356), but has not been reported in the literature, to our knowledge. Two bioinformatic tools queried predict that this substitution would be tolerated, and the valine residue at this position is evolutionarily conserved across many of the species assessed. In addition to recessively inherited disease (MIM# 610921), per our review and consultation with a clinical expert, ABCA3 variants may also contribute to lung disease in the heterozygous state, as single ABCA3 variants have been shown to be over-represented in term infants with neonatal respiratory distress in the absence of classic ABCA3 deficiency. Conclusive evidence of this latter association is however lacking at this time. We consider the clinical significance of c.640G>C in ABCA3 to be uncertain at this time.

Ambry Genetics
Classification: Uncertain significance for Hereditary pulmonary alveolar proteinosis. Last evaluated: 2023-04-07. Review status: criteria provided, single submitter. Criteria: Ambry Variant Classification Scheme 2023. Collection method: clinical testing. Allele origin: germline.
Comment: The p.V214L variant (also known as c.640G>C), located in coding exon 5 of the ABCA3 gene, results from a G to C substitution at nucleotide position 640. The valine at codon 214 is replaced by leucine, an amino acid with highly similar properties. This amino acid position is conserved. In addition, the in silico prediction for this alteration is inconclusive. Since supporting evidence is limited at this time, the clinical significance of this alteration remains unclear.

Blueprint Genetics
Classification: Uncertain significance. Last evaluated: 2021-06-08. Review status: criteria provided, single submitter. Criteria: ACMG Guidelines, 2015. Collection method: clinical testing. Allele origin: germline.